The following is an entry in ClinVar:

NM_182961.4(SYNE1):c.323A>G (p.Asn108Ser)

Gene: SYNE1 (spectrin repeat containing nuclear envelope protein 1; minus strand). Cytogenetic location: 6q25.2.
Variant type: single nucleotide variant.
Coding change: c.323A>G on transcript NM_182961.4 (MANE Select); coding-DNA position 323, A replaced by G.
Protein change: p.Asn108Ser; replaces asparagine 108 with serine.
Molecular consequence: missense variant.
Genome position (GRCh38, 1-based): chr6:152,511,090, T>C on the plus strand (A>G on the coding strand, the complement: SYNE1 is on the minus strand). VCF-style: chr6-152511090-T-C. GRCh37 (hg19) VCF-style: chr6-152832225-T-C.
Other names: c.344A>G, p.Asn115Ser (NM_033071.5); short protein forms N108S, N115S.
Identifiers: ClinVar variation 2042321 (VCV002042321.5), dbSNP rs755678809, ClinGen allele CA4059767.

ClinVar aggregate classification (germline): Uncertain significance. Review status: criteria provided, multiple submitters, no conflicts (2 of 4 stars). 2 submissions from 2 submitters: Uncertain significance (2). Last evaluated 2025-12-25.

Conditions:
Emery-Dreifuss muscular dystrophy 4, autosomal dominant (EDMD4). Also called: EMERY-DREIFUSS MUSCULAR DYSTROPHY 4 WITH VARIABLE FEATURES. Identifiers: Orphanet 261, MedGen C2751807, MONDO:0013071, OMIM 612998.
Autosomal recessive ataxia, Beauce type. Also called: SYNE1 Deficiency; Spinocerebellar ataxia, autosomal recessive 8; ATAXIA, RECESSIVE, OF BEAUCE; SYNE1-Related Autosomal Recessive Cerebellar Ataxia. Identifiers: Orphanet 88644, MedGen C1853116, MONDO:0012549, OMIM 610743.

Allele frequency attached by ClinVar (database versions not stated): gnomAD exomes 0.00001; TOPMed 0.00002; ExAC 0.00003; gnomAD 0.00003.
gnomAD v4.1: 23 of 1,613,778 alleles (0.0014%); highest among the groups gnomAD compares: Admixed American, 0.0017%; no homozygotes.

Submissions (2):

Labcorp Genetics (formerly Invitae), Labcorp
Classification: Uncertain significance for Emery-Dreifuss muscular dystrophy 4, autosomal dominant; Autosomal recessive ataxia, Beauce type. Last evaluated: 2025-12-25. Review status: criteria provided, single submitter. Criteria: Invitae Variant Classification Sherloc (09022015). Collection method: clinical testing. Allele origin: germline.
Comment: This sequence change replaces asparagine, which is neutral and polar, with serine, which is neutral and polar, at codon 115 of the SYNE1 protein (p.Asn115Ser). This variant is present in population databases (rs755678809, gnomAD 0.004%). This missense change has been observed in individual(s) with clinical features of autosomal dominant Emery-Dreifuss muscular dystrophy (PMID: 25091525). This variant is also known as c.323C>T, p.N108S. ClinVar contains an entry for this variant (Variation ID: 2042321). An algorithm developed to predict the effect of missense changes on protein structure and function (PolyPhen-2) suggests that this variant is likely to be disruptive. In summary, the available evidence is currently insufficient to determine the role of this variant in disease. Therefore, it has been classified as a Variant of Uncertain Significance.

GeneDx
Classification: Uncertain significance. Last evaluated: 2025-06-16. Review status: criteria provided, single submitter. Criteria: GeneDx Variant Classification Process June 2021. Collection method: clinical testing. Allele origin: germline. Affected: yes.
Comment: Reported as a single heterozygous variant in multiple affected individuals with muscular dystrophy from a single family (PMID: 25091525); In silico analysis supports that this missense variant has a deleterious effect on protein structure/function; This variant is associated with the following publications: (PMID: 27843283, 25091525)

Literature cited by the submitters: PubMed 25091525 (cited by Labcorp Genetics (formerly Invitae), Labcorp).